The following is an entry in ClinVar:

ClinVar aggregate classification (germline): Uncertain significance (1 of 4 stars; one submission).

Submission:

Labcorp Genetics (formerly Invitae), Labcorp
Classification: Uncertain significance. Last evaluated: 2022-12-30. Review status: criteria provided, single submitter. Criteria: Invitae Variant Classification Sherloc (09022015). Collection method: clinical testing. Allele origin: germline.
Comment: In summary, the available evidence is currently insufficient to determine the role of this variant in disease. Therefore, it has been classified as a Variant of Uncertain Significance. Algorithms developed to predict the effect of sequence changes on RNA splicing suggest that this variant may create or strengthen a splice site. This variant has not been reported in the literature in individuals affected with SLC13A3-related conditions. This variant is not present in population databases (gnomAD no frequency). This variant, c.1167_1169del, results in the deletion of 1 amino acid(s) of the SLC13A3 protein (p.Leu389del), but otherwise preserves the integrity of the reading frame.

NM_022829.6(SLC13A3):c.1167_1169del (p.Leu389del)

Gene: SLC13A3 (solute carrier family 13 member 3; minus strand). Cytogenetic location: 20q13.12.
Variant type: Deletion.
Coding change: c.1167_1169del on transcript NM_022829.6 (MANE Select); coding-DNA positions 1167 to 1169, 3 bases deleted (GTT; older notation c.1167_1169delGTT).
Protein change: p.Leu389del; deletes leucine 389.
Molecular consequence: inframe deletion.
Genome position (GRCh38, 1-based): chr20:46,583,622-46,583,624, AAC deleted on the plus strand (GTT on the coding strand, the reverse complement: SLC13A3 is on the minus strand); deleting any 3 consecutive bases within chr20:46,583,622-46,583,626 gives the same sequence; the c. name uses the placement nearest the transcript's 3' end. VCF-style (leftmost placement, unchanged base first): chr20-46583621-GAAC-G. GRCh37 (hg19) VCF-style: chr20-45212260-GAAC-G.
Other names: c.1026_1028del, p.Leu342del (NM_001011554.3); c.1017_1019del, p.Leu339del (NM_001193339.2); c.921_923del, p.Leu307del (NM_001193340.2); c.873_875del, p.Leu291del (NM_001193342.2); short protein forms L339del, L291del, L307del, L342del, L389del.
Identifiers: ClinVar variation 2825140 (VCV002825140.3), dbSNP rs2516583448, ClinGen allele CA2739277179.